The following is an entry in ClinVar:

ClinVar aggregate classification (germline): Uncertain significance (1 of 4 stars; one submission).

Submission:

Labcorp Genetics (formerly Invitae), Labcorp
Classification: Uncertain significance. Last evaluated: 2025-02-19. Review status: criteria provided, single submitter. Criteria: Invitae Variant Classification Sherloc (09022015). Collection method: clinical testing. Allele origin: germline.
Comment: This sequence change replaces leucine, which is neutral and non-polar, with histidine, which is basic and polar, at codon 596 of the TNNI3K protein (p.Leu596His). This variant is not present in population databases (gnomAD no frequency). This variant has not been reported in the literature in individuals affected with TNNI3K-related conditions. An algorithm developed to predict the effect of missense changes on protein structure and function (PolyPhen-2) suggests that this variant is likely to be disruptive. In summary, the available evidence is currently insufficient to determine the role of this variant in disease. Therefore, it has been classified as a Variant of Uncertain Significance.

NM_015978.3(TNNI3K):c.1787T>A (p.Leu596His)

Genes: FPGT-TNNI3K (FPGT-TNNI3K readthrough; plus strand), TNNI3K (TNNI3 interacting kinase; plus strand). Cytogenetic location: 1p31.1.
Variant type: single nucleotide variant.
Coding change: c.1787T>A on transcript NM_015978.3 (MANE Select); coding-DNA position 1787, T replaced by A.
Protein change: p.Leu596His; replaces leucine 596 with histidine.
Molecular consequence: missense variant.
Genome position (GRCh38, 1-based): chr1:74,436,094, T>A. VCF-style: chr1-74436094-T-A. GRCh37 (hg19) VCF-style: chr1-74901778-T-A.
Other names: c.2090T>A, p.Leu697His (NM_001112808.3, NM_001199327.2); short protein forms L596H, L697H.
Identifiers: ClinVar variation 4713485 (VCV004713485.1).